The following is an entry in ClinVar:

NM_203447.4(DOCK8):c.3511C>G (p.Leu1171Val)

Gene: DOCK8 (dedicator of cytokinesis 8; plus strand). Cytogenetic location: 9p24.3.
Variant type: single nucleotide variant.
Coding change: c.3511C>G on transcript NM_203447.4 (MANE Select); coding-DNA position 3511, C replaced by G.
Protein change: p.Leu1171Val; replaces leucine 1171 with valine.
Molecular consequence: missense variant.
Genome position (GRCh38, 1-based): chr9:407,050, C>G. VCF-style: chr9-407050-C-G. GRCh37 (hg19) VCF-style: chr9-407050-C-G.
Other names: c.3211C>G, p.Leu1071Val (NM_001190458.2); c.3307C>G, p.Leu1103Val (NM_001193536.2); c.3511C>G (NM_203447.3); short protein forms L1071V, L1103V, L1171V.
Identifiers: ClinVar variation 1427228 (VCV001427228.7), dbSNP rs367567088, ClinGen allele CA4958706.

ClinVar aggregate classification (germline): Uncertain significance. Review status: criteria provided, multiple submitters, no conflicts (2 of 4 stars). 2 submissions from 2 submitters: Uncertain significance (2). Last evaluated 2023-04-06.

Conditions:
Inborn genetic diseases. Identifiers: MedGen C0950123, MeSH D030342.
Hyper-IgE recurrent infection syndrome 3, autosomal recessive. Also called: Autosomal recessive hyper-IgE syndrome due to ZNF341 deficiency; HYPER-IgE SYNDROME 3, AUTOSOMAL RECESSIVE, WITH RECURRENT INFECTIONS. Identifiers: Orphanet 641368, MedGen C4748969, MONDO:0032654, OMIM 618282.

Allele frequency attached by ClinVar (database versions not stated): gnomAD 0.00001; gnomAD exomes 0.00001 and 0.00002; TOPMed 0.00001; ExAC 0.00002; ESP Exome Variant Server 0.00008.
gnomAD v4.1: 12 of 1,613,988 alleles (0.00074%); highest among the groups gnomAD compares: Non-Finnish European, 0.001%; no homozygotes.

Submissions (2):

Ambry Genetics
Classification: Uncertain significance for Inborn genetic diseases. Last evaluated: 2023-04-06. Review status: criteria provided, single submitter. Criteria: Ambry Variant Classification Scheme 2023. Collection method: clinical testing. Allele origin: germline.

Labcorp Genetics (formerly Invitae), Labcorp
Classification: Uncertain significance for Combined immunodeficiency due to DOCK8 deficiency. Last evaluated: 2021-01-08. Review status: criteria provided, single submitter. Criteria: Invitae Variant Classification Sherloc (09022015). Collection method: clinical testing. Allele origin: germline.
Comment: This variant is present in population databases (rs367567088, ExAC 0.003%). In summary, the available evidence is currently insufficient to determine the role of this variant in disease. Therefore, it has been classified as a Variant of Uncertain Significance. Algorithms developed to predict the effect of missense changes on protein structure and function are either unavailable or do not agree on the potential impact of this missense change (SIFT: "Deleterious"; PolyPhen-2: "Probably Damaging"; Align-GVGD: "Class C0"). This variant has not been reported in the literature in individuals with DOCK8-related conditions. This sequence change replaces leucine with valine at codon 1171 of the DOCK8 protein (p.Leu1171Val). The leucine residue is highly conserved and there is a small physicochemical difference between leucine and valine.